The following is an entry in ClinVar:

ClinVar aggregate classification (germline): Likely benign (1 of 4 stars; one submission).

Submission:

CeGaT Center for Human Genetics Tuebingen
Classification: Likely benign. Last evaluated: 2024-01-01. Review status: criteria provided, single submitter. Criteria: CeGaT Center For Human Genetics Tuebingen Variant Classification Criteria Version 2. Collection method: clinical testing. Allele origin: germline. Affected: yes. Observed: 1 variant allele.
Comment: ZNF530: PM2:Supporting, BP4, BP7

NM_001321981.2(ZNF530):c.720G>C (p.Gly240=)

Gene: ZNF530 (zinc finger protein 530; plus strand). Cytogenetic location: 19q13.43.
Variant type: single nucleotide variant.
Coding change: c.720G>C on transcript NM_001321981.2 (MANE Select); coding-DNA position 720, G replaced by C.
Protein change: p.Gly240=; no amino-acid change (glycine 240 retained).
Molecular consequence: synonymous variant. On other transcripts: non-coding transcript variant (1).
Genome position (GRCh38, 1-based): chr19:57,606,344, G>C. VCF-style: chr19-57606344-G-C. GRCh37 (hg19) VCF-style: chr19-58117712-G-C.
Other names: c.720G>C, p.Gly240= (NM_001387561.1); c.816G>C, p.Gly272= (NM_001387562.1); c.819G>C, p.Gly273= (NM_001387563.1, NM_020880.5).
Identifiers: ClinVar variation 3025798 (VCV003025798.22), dbSNP rs2514314504, ClinGen allele CA508968290.
Genomic context (GRCh38, chr19:57,606,344, plus strand): 5'-CTTTCTTCGACACAGGAAAGCACACGGTAGAACAAGGACTCATGAATGTAGTGAATGTGG[G>C]AAATCATTTAGTCGCAAAACTCACCTAACTCAACACCAAAGAGTTCACACTGGAGAAAGG-3'
Protein context (NP_001308910.1, residues 230-250): RTRTHECSEC[Gly240=]KSFSRKTHLT